The following is an entry in ClinVar:

ClinVar aggregate classification (germline): Pathogenic (1 of 4 stars; one submission).

Conditions:
Hereditary diffuse gastric adenocarcinoma (HDGC). Also called: DIFFUSE GASTRIC AND LOBULAR BREAST CANCER SYNDROME. Identifiers: Orphanet 26106, MedGen C1708349, MONDO:0007648, OMIM 137215.

Submission:

Myriad Genetics, Inc.
Classification: Pathogenic for Hereditary diffuse gastric adenocarcinoma. Last evaluated: 2023-06-13. Review status: criteria provided, single submitter. Criteria: Myriad Autosomal Dominant, Autosomal Recessive and X-Linked Classification Criteria (2023). Collection method: clinical testing. Allele origin: unknown.
Comment: This variant is considered pathogenic. This variant creates a frameshift predicted to result in premature protein truncation.

NM_004360.5(CDH1):c.1438_1453del (p.Val480fs)

Gene: CDH1 (cadherin 1; plus strand). Cytogenetic location: 16q22.1.
Variant type: Deletion.
Coding change: c.1438_1453del on transcript NM_004360.5 (MANE Select); coding-DNA positions 1438 to 1453, 16 bases deleted (GTGAATGAAGCCCCCA).
Protein change: p.Val480fs; shifts the reading frame from valine 480.
Molecular consequence: frameshift variant. On other transcripts: 5 prime UTR variant (2).
Genome position (GRCh38, 1-based): chr16:68,815,632-68,815,647, GTGAATGAAGCCCCCA deleted. VCF-style (leftmost placement, unchanged base first): chr16-68815631-TGTGAATGAAGCCCCCA-T. GRCh37 (hg19) VCF-style: chr16-68849534-TGTGAATGAAGCCCCCA-T.
Other names: c.-111_-96del (NM_001317185.2); c.-382_-367del (NM_001317186.2); c.1255_1270del, p.Val419fs (NM_001317184.2); short protein forms V419fs, V480fs.
Identifiers: ClinVar variation 2583666 (VCV002583666.2), dbSNP rs2543930791, ClinGen allele CA2582342594.
Genomic context (GRCh38, chr16:68,815,631, plus strand): 5'-GGTACCTTTTGAGGTCTCTCTCACCACCTCCACAGCCACCGTCACCGTGGATGTGCTGGA[TGTGAATGAAGCCCCCA>T]TCTTTGTGCCTCCTGAAAAGAGAGTGGAAGTGTCCGAGGACTTTGGCGTGGGCCAGGAAA-3'